The following is an entry in ClinVar:

ClinVar aggregate classification (germline): Likely benign (1 of 4 stars; one submission).

Conditions:
MINPP1-related disorder. Also called: MINPP1-related condition.

gnomAD v4.1: 214 of 1,613,490 alleles (0.013%); highest among the groups gnomAD compares: African/African-American, 0.15%; 2 homozygotes.

Submission:

PreventionGenetics, part of Exact Sciences
Classification: Likely benign for MINPP1-related condition. Last evaluated: 2026-04-09. Review status: criteria provided, single submitter. Criteria: ACMG Guidelines, 2015. Collection method: clinical testing. Allele origin: germline.
Comment: This variant is classified as likely benign based on ACMG/AMP sequence variant interpretation guidelines (Richards et al. 2015 PMID: 25741868, with internal and published modifications).

NM_004897.5(MINPP1):c.1387A>G (p.Lys463Glu)

Genes: MINPP1 (multiple inositol-polyphosphate phosphatase 1; plus strand), LOC126860990 (CDK7 strongly-dependent group 2 enhancer GRCh37_chr10:89311461-89312660; plus strand). Cytogenetic location: 10q23.2.
Variant type: single nucleotide variant.
Coding change: c.1387A>G on transcript NM_004897.5 (MANE Select); coding-DNA position 1387, A replaced by G.
Protein change: p.Lys463Glu; replaces lysine 463 with glutamic acid.
Molecular consequence: missense variant. On other transcripts: 3 prime UTR variant (1).
Genome position (GRCh38, 1-based): chr10:87,552,401, A>G. VCF-style: chr10-87552401-A-G. GRCh37 (hg19) VCF-style: chr10-89312158-A-G.
Other names: c.*216A>G (NM_001178117.2); c.784A>G, p.Lys262Glu (NM_001178118.2); short protein forms K463E, K262E.
Identifiers: ClinVar variation 4988601 (VCV004988601.1).